The following is an entry in ClinVar:

NM_001384479.1(AGT):c.1097G>T (p.Arg366Leu)

Gene: AGT (angiotensinogen; minus strand). Cytogenetic location: 1q42.2.
Variant type: single nucleotide variant.
Coding change: c.1097G>T on transcript NM_001384479.1 (MANE Select); coding-DNA position 1097, G replaced by T.
Protein change: p.Arg366Leu; replaces arginine 366 with leucine.
Molecular consequence: missense variant.
Genome position (GRCh38, 1-based): chr1:230,705,933, C>A on the plus strand (G>T on the coding strand, the complement: AGT is on the minus strand). VCF-style: chr1-230705933-C-A. GRCh37 (hg19) VCF-style: chr1-230841679-C-A.
Other names: c.1097G>T, p.Arg366Leu (NM_001382817.3); short protein forms R366L.
Identifiers: ClinVar variation 1440909 (VCV001440909.7), dbSNP rs74315283, ClinGen allele CA345203700.

ClinVar aggregate classification (germline): Uncertain significance. Review status: criteria provided, multiple submitters, no conflicts (2 of 4 stars). 2 submissions from 2 submitters: Uncertain significance (2). Last evaluated 2024-02-09.

Conditions:
Renal tubular dysgenesis of genetic origin. Also called: PRIMITIVE RENAL TUBULE SYNDROME. Identifiers: Orphanet 97369, MedGen C5681536, MONDO:0009970, OMIM 267430.

gnomAD v4.1: 14 of 1,613,874 alleles (0.00087%); highest among the groups gnomAD compares: Non-Finnish European, 0.0012%; no homozygotes.

Submissions (2):

Fulgent Genetics
Classification: Uncertain significance for Renal tubular dysgenesis of genetic origin. Last evaluated: 2024-02-09. Review status: criteria provided, single submitter. Criteria: ACMG Guidelines, 2015. Collection method: clinical testing. Allele origin: germline.

Labcorp Genetics (formerly Invitae), Labcorp
Classification: Uncertain significance. Last evaluated: 2021-07-22. Review status: criteria provided, single submitter. Criteria: Invitae Variant Classification Sherloc (09022015). Collection method: clinical testing. Allele origin: germline.
Comment: In summary, the available evidence is currently insufficient to determine the role of this variant in disease. Therefore, it has been classified as a Variant of Uncertain Significance. Variants that disrupt the consensus splice site are a relatively common cause of aberrant splicing (PMID: 17576681, 9536098). Algorithms developed to predict the effect of sequence changes on RNA splicing suggest that this variant may disrupt the consensus splice site. Algorithms developed to predict the effect of missense changes on protein structure and function are either unavailable or do not agree on the potential impact of this missense change (SIFT: "Deleterious"; PolyPhen-2: "Possibly Damaging"; Align-GVGD: "Class C0"). This variant has not been reported in the literature in individuals affected with AGT-related conditions. This variant is not present in population databases (ExAC no frequency). This sequence change replaces arginine with leucine at codon 375 of the AGT protein (p.Arg375Leu). The arginine residue is highly conserved and there is a moderate physicochemical difference between arginine and leucine. This variant also falls at the last nucleotide of exon 3, which is part of the consensus splice site for this exon.

Literature cited by the submitters: PubMed 17576681 (cited by Labcorp Genetics (formerly Invitae), Labcorp); PubMed 9536098 (cited by Labcorp Genetics (formerly Invitae), Labcorp).